The following is an entry in ClinVar:

NM_022080.3(NAPB):c.333C>A (p.Tyr111Ter)

Gene: NAPB (NSF attachment protein beta; minus strand). Cytogenetic location: 20p11.21.
Variant type: single nucleotide variant.
Coding change: c.333C>A on transcript NM_022080.3 (MANE Select); coding-DNA position 333, C replaced by A.
Protein change: p.Tyr111Ter; replaces tyrosine 111 with a stop codon.
Molecular consequence: nonsense. On other transcripts: intron variant (1).
Genome position (GRCh38, 1-based): chr20:23,395,148, G>T on the plus strand (C>A on the coding strand, the complement: NAPB is on the minus strand). VCF-style: chr20-23395148-G-T. GRCh37 (hg19) VCF-style: chr20-23375785-G-T.
Other names: c.345C>A, p.Tyr115Ter (NM_001283018.2); c.216C>A, p.Tyr72Ter (NM_001283020.2); c.61-149C>A (NM_001283026.2); short protein forms Y111*, Y115*, Y72*.
Identifiers: ClinVar variation 2572575 (VCV002572575.3), dbSNP rs2515069712, ClinGen allele CA408420793.

ClinVar aggregate classification (germline): Pathogenic (1 of 4 stars; one submission).

Conditions:
Developmental and epileptic encephalopathy-107 (DEE107). Identifiers: MedGen C5774215, MONDO:0031055, OMIM 620033.

Submission:

3billion
Classification: Pathogenic for Developmental and epileptic encephalopathy-107. Last evaluated: 2023-12-03. Review status: criteria provided, single submitter. Criteria: ACMG Guidelines, 2015. Collection method: clinical testing. Allele origin: germline. Affected: yes.
Comment: The variant is not observed in the gnomAD v2.1.1 dataset. Predicted Consequence/Location: Stop-gained (nonsense): predicted to result in a loss or disruption of normal protein function through nonsense-mediated decay (NMD) or protein truncation. Multiple pathogenic variants are reported downstream of the variant. The variant has been reported to be associated with NAPB related disorder (ClinVar ID: VCV002572575 /3billion dataset). Therefore, this variant is classified as Pathogenic according to the recommendation of ACMG/AMP guideline.